The following is an entry in ClinVar:

NM_021930.6(RINT1):c.1111G>T (p.Glu371Ter)

Gene: RINT1 (RAD50 interactor 1; plus strand). Cytogenetic location: 7q22.3.
Variant type: single nucleotide variant.
Coding change: c.1111G>T on transcript NM_021930.6 (MANE Select); coding-DNA position 1111, G replaced by T.
Protein change: p.Glu371Ter; replaces glutamic acid 371 with a stop codon.
Molecular consequence: nonsense. On other transcripts: non-coding transcript variant (1).
Genome position (GRCh38, 1-based): chr7:105,550,264, G>T. VCF-style: chr7-105550264-G-T. GRCh37 (hg19) VCF-style: chr7-105190711-G-T.
Other names: c.877G>T, p.Glu293Ter (NM_001346599.2); c.88G>T, p.Glu30Ter (NM_001346600.2, NM_001346603.2); c.187G>T, p.Glu63Ter (NM_001346601.2); short protein forms E30*, E293*, E371*, E63*.
Identifiers: ClinVar variation 4720990 (VCV004720990.1).
Genomic context (GRCh38, chr7:105,550,264, plus strand): 5'-GTATGTGTGCATGGATAACTTTTTATTTACATACCTCATGTTTGTGTATTTTTTTAGCTT[G>T]AATTTTCTCGGGGCCTTATGATGCTGGTTCTTGAGAAGTTAGCCACTGATATTCCTTGTC-3'

ClinVar aggregate classification (germline): Pathogenic (1 of 4 stars; one submission).

Submission:

Labcorp Genetics (formerly Invitae), Labcorp
Classification: Pathogenic. Last evaluated: 2025-06-08. Review status: criteria provided, single submitter. Criteria: Invitae Variant Classification Sherloc (09022015). Collection method: clinical testing. Allele origin: germline.
Comment: This sequence change creates a premature translational stop signal (p.Glu371*) in the RINT1 gene. It is expected to result in an absent or disrupted protein product. Loss-of-function variants in RINT1 are known to be pathogenic (PMID: 31204009). This variant is not present in population databases (gnomAD no frequency). This variant has not been reported in the literature in individuals affected with RINT1-related conditions. For these reasons, this variant has been classified as Pathogenic.

Literature cited by the submitters: PubMed 31204009.